The following is an entry in ClinVar:

ClinVar aggregate classification (germline): Likely pathogenic (1 of 4 stars; one submission).

Conditions:
Autosomal recessive nonsyndromic hearing loss 84B. Also called: Deafness, autosomal recessive 84b. Identifiers: Orphanet 90636, MedGen C3554159, MONDO:0013984, OMIM 614944.

Submission:

Juno Genomics, Hangzhou Juno Genomics, Inc
Classification: Likely pathogenic for Autosomal recessive nonsyndromic hearing loss 84B. Review status: criteria provided, single submitter. Criteria: ACMG Guidelines, 2015. Collection method: clinical testing. Allele origin: germline.
Comment: Null variant in a gene where loss of function (LOF) is a known mechanism of disease.;Absent from controls (or at extremely low frequency if recessive) in Genome Aggregation Database.

NM_001378609.3(OTOGL):c.6512_6524del (p.His2171fs)

Gene: OTOGL (otogelin like; plus strand). Cytogenetic location: 12q21.31.
Variant type: Deletion.
Coding change: c.6512_6524del on transcript NM_001378609.3 (MANE Select); coding-DNA positions 6512 to 6524, 13 bases deleted (ACCAGGTATATAC).
Protein change: p.His2171fs; shifts the reading frame from histidine 2171.
Molecular consequence: frameshift variant.
Genome position (GRCh38, 1-based): chr12:80,368,206-80,368,218, ACCAGGTATATAC deleted; deleting any 13 consecutive bases within chr12:80,368,205-80,368,218 gives the same sequence; the c. name uses the placement nearest the transcript's 3' end. VCF-style (leftmost placement, unchanged base first): chr12-80368204-GCACCAGGTATATA-G. GRCh37 (hg19) VCF-style: chr12-80761984-GCACCAGGTATATA-G.
Other names: c.6377_6389del, p.His2126fs (NM_001368062.3); c.6512_6524del, p.His2171fs (NM_001378610.3, NM_173591.7); short protein forms H2171fs, H2126fs.
Identifiers: ClinVar variation 5005174 (VCV005005174.2).